The following is an entry in ClinVar:

ClinVar aggregate classification (germline): Uncertain significance (1 of 4 stars; one submission).

Allele frequency attached by ClinVar (database versions not stated): gnomAD exomes below 0.00001; ExAC 0.00001.
gnomAD v4.1: 2 of 1,603,878 alleles (0.00012%); highest among the groups gnomAD compares: Non-Finnish European, 0.00017%; no homozygotes.

Submission:

Ambry Genetics
Classification: Uncertain significance. Last evaluated: 2023-10-01. Review status: criteria provided, single submitter. Criteria: Ambry Variant Classification Scheme 2023. Collection method: clinical testing. Allele origin: germline.
Comment: The p.K1038R variant (also known as c.3113A>G), located in coding exon 17 of the NPAT gene, results from an A to G substitution at nucleotide position 3113. The lysine at codon 1038 is replaced by arginine, an amino acid with highly similar properties. This amino acid position is conserved. In addition, this alteration is predicted to be tolerated by in silico analysis. Since supporting evidence is limited at this time, the clinical significance of this alteration remains unclear.

NM_002519.3(NPAT):c.3113A>G (p.Lys1038Arg)

Gene: NPAT (nuclear protein, coactivator of histone transcription; minus strand). Cytogenetic location: 11q22.3.
Variant type: single nucleotide variant.
Coding change: c.3113A>G on transcript NM_002519.3 (MANE Select); coding-DNA position 3113, A replaced by G.
Protein change: p.Lys1038Arg; replaces lysine 1038 with arginine.
Molecular consequence: missense variant.
Genome position (GRCh38, 1-based): chr11:108,161,973, T>C on the plus strand (A>G on the coding strand, the complement: NPAT is on the minus strand). VCF-style: chr11-108161973-T-C. GRCh37 (hg19) VCF-style: chr11-108032700-T-C.
Other names: c.3134A>G, p.Lys1045Arg (NM_001321307.1); short protein forms K1038R, K1045R.
Identifiers: ClinVar variation 3222572 (VCV003222572.1), dbSNP rs758593922, ClinGen allele CA6263639.
Genomic context (GRCh38, chr11:108,161,973, plus strand): 5'-GGTTTAGCAGCTGGAACTATACTCTCTTCTGGGAAGGGAACTGTGGTTTCTTCTGATTTT[T>C]TCCCAAGATCTGTGGCAATACTTTTGTCAGAAACTTCAGTTCTAAAACAAAACAAAACAA-3'
Protein context (NP_002510.2, residues 1028-1048): SDKSIATDLG[Lys1038Arg]KSEETTVPFP